The following is an entry in ClinVar:

ClinVar aggregate classification (germline): Uncertain significance (1 of 4 stars; one submission).

Submission:

Labcorp Genetics (formerly Invitae), Labcorp
Classification: Uncertain significance. Last evaluated: 2021-10-08. Review status: criteria provided, single submitter. Criteria: Invitae Variant Classification Sherloc (09022015). Collection method: clinical testing. Allele origin: germline.
Comment: This variant has not been reported in the literature in individuals affected with ALPK3-related conditions. This sequence change replaces valine with glutamic acid at codon 563 of the ALPK3 protein (p.Val563Glu). The valine residue is weakly conserved and there is a moderate physicochemical difference between valine and glutamic acid. This variant is not present in population databases (ExAC no frequency). Algorithms developed to predict the effect of missense changes on protein structure and function (SIFT, PolyPhen-2, Align-GVGD) all suggest that this variant is likely to be tolerated. In summary, the available evidence is currently insufficient to determine the role of this variant in disease. Therefore, it has been classified as a Variant of Uncertain Significance.

NM_020778.5(ALPK3):c.1082T>A (p.Val361Glu)

Gene: ALPK3 (alpha kinase 3; plus strand). Cytogenetic location: 15q25.3.
Variant type: single nucleotide variant.
Coding change: c.1082T>A on transcript NM_020778.5 (MANE Select); coding-DNA position 1082, T replaced by A.
Protein change: p.Val361Glu; replaces valine 361 with glutamic acid.
Molecular consequence: missense variant.
Genome position (GRCh38, 1-based): chr15:84,840,361, T>A. VCF-style: chr15-84840361-T-A. GRCh37 (hg19) VCF-style: chr15-85383592-T-A.
Other names: short protein forms V361E.
Identifiers: ClinVar variation 1523690 (VCV001523690.6), dbSNP rs2141556916, ClinGen allele CA393374352.